The following is an entry in ClinVar:

ClinVar aggregate classification (germline): Uncertain significance. Review status: criteria provided, multiple submitters, no conflicts (2 of 4 stars). 2 submissions from 2 submitters: Uncertain significance (2). Last evaluated 2020-06-03.

Conditions:
Alagille syndrome due to a NOTCH2 point mutation. Also called: Alagille syndrome 2. Identifiers: Orphanet 261629, Orphanet 52, MedGen C1857761, MONDO:0012439, OMIM 610205.

Allele frequency attached by ClinVar (database versions not stated): gnomAD exomes below 0.00001; TOPMed below 0.00001; gnomAD 0.00001.
gnomAD v4.1: 7 of 1,613,174 alleles (0.00043%); highest among the groups gnomAD compares: African/African-American, 0.0013%; no homozygotes.

Submissions (2):

Baylor Genetics
Classification: Uncertain significance for Alagille syndrome due to a NOTCH2 point mutation. Last evaluated: 2020-06-03. Review status: criteria provided, single submitter. Criteria: ACMG Guidelines, 2015. Collection method: clinical testing. Allele origin: unknown. Affected: yes.
Comment: This variant was determined to be of uncertain significance according to ACMG Guidelines, 2015 [PMID:25741868].

Eurofins Ntd Llc (ga)
Classification: Uncertain significance. Last evaluated: 2017-05-31. Review status: criteria provided, single submitter. Criteria: EGL Classification Definitions 2015. Collection method: clinical testing. Allele origin: germline. Observed: 1 variant allele, 1 heterozygote.

NM_024408.4(NOTCH2):c.5732G>A (p.Arg1911His)

Gene: NOTCH2 (notch receptor 2; minus strand). Cytogenetic location: 1p12.
Variant type: single nucleotide variant.
Coding change: c.5732G>A on transcript NM_024408.4 (MANE Select); coding-DNA position 5732, G replaced by A.
Protein change: p.Arg1911His; replaces arginine 1911 with histidine.
Molecular consequence: missense variant.
Genome position (GRCh38, 1-based): chr1:119,919,361, C>T on the plus strand (G>A on the coding strand, the complement: NOTCH2 is on the minus strand). VCF-style: chr1-119919361-C-T. GRCh37 (hg19) VCF-style: chr1-120461984-C-T.
Other names: short protein forms R1911H.
Identifiers: ClinVar variation 502328 (VCV000502328.6), dbSNP rs1216790064, ClinGen allele CA341883996.